The following is an entry in ClinVar:

NM_015215.4(CAMTA1):c.556G>A (p.Glu186Lys)

Gene: CAMTA1 (calmodulin binding transcription activator 1; plus strand). Cytogenetic location: 1p36.23.
Variant type: single nucleotide variant.
Coding change: c.556G>A on transcript NM_015215.4 (MANE Select); coding-DNA position 556, G replaced by A.
Protein change: p.Glu186Lys; replaces glutamic acid 186 with lysine.
Molecular consequence: missense variant.
Genome position (GRCh38, 1-based): chr1:7,640,445, G>A. VCF-style: chr1-7640445-G-A. GRCh37 (hg19) VCF-style: chr1-7700505-G-A.
Other names: c.466G>A, p.Glu156Lys (NM_001349608.2, NM_001349612.2); c.556G>A, p.Glu186Lys (NM_001349609.2, NM_001349610.2, NM_001410737.1); c.484G>A, p.Glu162Lys (NM_001410738.1); short protein forms E156K, E162K, E186K.
Identifiers: ClinVar variation 3776565 (VCV003776565.1).

ClinVar aggregate classification (germline): Uncertain significance (1 of 4 stars; one submission).

gnomAD v4.1: 4 of 1,614,090 alleles (0.00025%); highest among the groups gnomAD compares: East Asian, 0.0022%; no homozygotes.

Submission:

GeneDx
Classification: Uncertain significance. Last evaluated: 2024-10-02. Review status: criteria provided, single submitter. Criteria: GeneDx Variant Classification Process June 2021. Collection method: clinical testing. Allele origin: germline. Affected: yes.
Comment: Not observed at significant frequency in large population cohorts (gnomAD); In silico analysis supports that this missense variant has a deleterious effect on protein structure/function; Has not been previously published as pathogenic or benign to our knowledge